The following is an entry in ClinVar:

ClinVar aggregate classification (germline): Uncertain significance (1 of 4 stars; one submission).

Allele frequency attached by ClinVar (database versions not stated): gnomAD exomes below 0.00001.
gnomAD v4.1: 2 of 1,613,554 alleles (0.00012%); highest among the groups gnomAD compares: East Asian, 0.0022%; no homozygotes.

Submission:

Labcorp Genetics (formerly Invitae), Labcorp
Classification: Uncertain significance. Last evaluated: 2024-11-05. Review status: criteria provided, single submitter. Criteria: Invitae Variant Classification Sherloc (09022015). Collection method: clinical testing. Allele origin: germline.
Comment: This sequence change replaces glutamic acid with lysine at codon 2035 of the CEP250 protein (p.Glu2035Lys). The glutamic acid residue is moderately conserved and there is a small physicochemical difference between glutamic acid and lysine. The frequency data for this variant in the population databases is considered unreliable, as metrics indicate poor data quality at this position in the gnomAD database. This variant has not been reported in the literature in individuals affected with CEP250-related conditions. ClinVar contains an entry for this variant (Variation ID: 1363282). An algorithm developed to predict the effect of missense changes on protein structure and function (PolyPhen-2) suggests that this variant is likely to be tolerated. In summary, the available evidence is currently insufficient to determine the role of this variant in disease. Therefore, it has been classified as a Variant of Uncertain Significance.

NM_007186.6(CEP250):c.6103G>A (p.Glu2035Lys)

Gene: CEP250 (centrosomal protein 250; plus strand). Cytogenetic location: 20q11.22.
Variant type: single nucleotide variant.
Coding change: c.6103G>A on transcript NM_007186.6 (MANE Select); coding-DNA position 6103, G replaced by A.
Protein change: p.Glu2035Lys; replaces glutamic acid 2035 with lysine.
Molecular consequence: missense variant.
Genome position (GRCh38, 1-based): chr20:35,504,472, G>A. VCF-style: chr20-35504472-G-A. GRCh37 (hg19) VCF-style: chr20-34092300-G-A.
Other names: c.4207G>A, p.Glu1403Lys (NM_001318219.1); short protein forms E2035K, E1403K.
Identifiers: ClinVar variation 1363282 (VCV001363282.6), dbSNP rs1321762009, ClinGen allele CA408755992.